The following is an entry in ClinVar:

NM_001042424.3(NSD2):c.2984A>T (p.Lys995Met)

Gene: NSD2 (nuclear receptor binding SET domain protein 2; plus strand). Cytogenetic location: 4p16.3.
Variant type: single nucleotide variant.
Coding change: c.2984A>T on transcript NM_001042424.3 (MANE Select); coding-DNA position 2984, A replaced by T.
Protein change: p.Lys995Met; replaces lysine 995 with methionine.
Molecular consequence: missense variant.
Genome position (GRCh38, 1-based): chr4:1,958,035, A>T. VCF-style: chr4-1958035-A-T. GRCh37 (hg19) VCF-style: chr4-1959762-A-T.
Other names: c.2984A>T, p.Lys995Met (NM_133330.3, NM_133331.3, NM_133335.4); short protein forms K995M.
Identifiers: ClinVar variation 3897607 (VCV003897607.1).

ClinVar aggregate classification (germline): Likely pathogenic (1 of 4 stars; one submission).

Conditions:
4p partial monosomy syndrome (WHS). Also called: WITTWER SYNDROME; CHROMOSOME 4p16.3 DELETION SYNDROME; PITT SYNDROME; Wolf-Hirschhorn syndrome. Identifiers: Orphanet 280, MedGen C1956097, MONDO:0008684, OMIM 194190.

Submission:

Genetics Laboratory, UDIAT-Centre Diagnòstic, Hospital Universitari Parc Tauli
Classification: Likely pathogenic for Wolf-Hirschhorn syndrome. Last evaluated: 2022-12-14. Review status: criteria provided, single submitter. Criteria: ACMG Guidelines, 2015. Collection method: clinical testing. Allele origin: unknown. Inheritance: Autosomal dominant inheritance. Affected: yes.
Comment: PM2_supporting;PM6_moderate;PP2_supporting;PP3_moderate